The following is an entry in ClinVar:

NM_001378687.1(ATP2C1):c.667del (p.Val223fs)

Gene: ATP2C1 (ATPase secretory pathway Ca2+ transporting 1; plus strand). Cytogenetic location: 3q22.1.
Variant type: Deletion.
Coding change: c.667del on transcript NM_001378687.1 (MANE Select); coding-DNA position 667, one base deleted (G; older notation c.667delG).
Protein change: p.Val223fs; shifts the reading frame from valine 223.
Molecular consequence: frameshift variant.
Genome position (GRCh38, 1-based): chr3:130,953,956, G deleted; the last of 2 consecutive G bases (chr3:130,953,955-130,953,956); deleting either gives the same sequence. VCF-style (leftmost placement, unchanged base first): chr3-130953954-TG-T. GRCh37 (hg19) VCF-style: chr3-130672798-TG-T.
Other names: c.667del, p.Val223fs (NM_001001485.3, NM_001001486.2, NM_001001487.2 and 5 more transcripts); c.769del, p.Val257fs (NM_001199180.2, NM_001199181.3, NM_001378511.1); c.652del, p.Val218fs (NM_001199182.2); c.619del, p.Val207fs (NM_001199183.2, NM_001199184.3, NM_001378514.1); short protein forms V223fs, V218fs, V257fs, V207fs.
Identifiers: ClinVar variation 503743 (VCV000503743.2), dbSNP rs1553767857, ClinGen allele CA658796380.

ClinVar aggregate classification (germline): Pathogenic (1 of 4 stars; one submission).

Submission:

GeneDx
Classification: Pathogenic. Last evaluated: 2017-12-19. Review status: criteria provided, single submitter. Criteria: GeneDx Variant Classification (06012015). Collection method: clinical testing. Allele origin: germline. Affected: yes.
Comment: The c.667delG pathogenic variant in the ATP2C1 gene causes a frameshift starting with codon Valine 223, changes this amino acid to a Serine residue and creates a premature Stop codon at position 25 of the new reading frame, denoted p.Val223SerfsX25. This pathogenic variant is predicted to cause loss of normal protein function either through protein truncation or nonsense-mediated mRNA decay. The variant is not observed in large population cohorts (Lek et al., 2016). Although this variant has not been previously reported to our knowledge, we consider it to be pathogenic.